The following is an entry in ClinVar:

NM_004519.4(KCNQ3):c.337G>A (p.Asp113Asn)

Gene: KCNQ3 (potassium voltage-gated channel subfamily Q member 3; minus strand). Cytogenetic location: 8q24.22.
Variant type: single nucleotide variant.
Coding change: c.337G>A on transcript NM_004519.4 (MANE Select); coding-DNA position 337, G replaced by A.
Protein change: p.Asp113Asn; replaces aspartic acid 113 with asparagine.
Molecular consequence: missense variant.
Genome position (GRCh38, 1-based): chr8:132,480,196, C>T on the plus strand (G>A on the coding strand, the complement: KCNQ3 is on the minus strand). VCF-style: chr8-132480196-C-T. GRCh37 (hg19) VCF-style: chr8-133492443-C-T.
Other names: short protein forms D113N.
Identifiers: ClinVar variation 665904 (VCV000665904.12), dbSNP rs1299548932, ClinGen allele CA372292417.

ClinVar aggregate classification (germline): Uncertain significance. Review status: criteria provided, multiple submitters, no conflicts (2 of 4 stars). 2 submissions from 2 submitters: Uncertain significance (2). Last evaluated 2024-10-06.

Conditions:
Benign neonatal seizures. Also called: Convulsions benign familial neonatal dominant form; Autosomal dominant form of benign neonatal seizures; Benign neonatal familial convulsions; Benign familial neonatal epilepsy; Benign familial neonatal seizures. Identifiers: Orphanet 1949, MedGen C0220669, MONDO:0016027.
Seizures, benign familial neonatal, 2. Also called: Benign Neonatal Epilepsy 2; Seizures, benign neonatal, 2; CONVULSIONS, BENIGN FAMILIAL NEONATAL, 2; KCNQ3-Related Benign Familial Neonatal Epilepsy; KCNQ3-Related Self-Limited Familial Neonatal Epilepsy (SLFNE). Identifiers: Orphanet 1949, MedGen C1852581, MONDO:0007366, OMIM 121201.

Allele frequency attached by ClinVar (database versions not stated): gnomAD exomes 0.00001 and below 0.00001; TOPMed 0.00001.
gnomAD v4.1: 20 of 1,613,258 alleles (0.0012%); highest among the groups gnomAD compares: Non-Finnish European, 0.0017%; no homozygotes.

Submissions (2):

Labcorp Genetics (formerly Invitae), Labcorp
Classification: Uncertain significance for Benign neonatal seizures. Last evaluated: 2024-10-06. Review status: criteria provided, single submitter. Criteria: Invitae Variant Classification Sherloc (09022015). Collection method: clinical testing. Allele origin: germline.
Comment: This sequence change replaces aspartic acid, which is acidic and polar, with asparagine, which is neutral and polar, at codon 113 of the KCNQ3 protein (p.Asp113Asn). This variant is present in population databases (no rsID available, gnomAD 0.0009%). This variant has not been reported in the literature in individuals affected with KCNQ3-related conditions. ClinVar contains an entry for this variant (Variation ID: 665904). Invitae Evidence Modeling of protein sequence and biophysical properties (such as structural, functional, and spatial information, amino acid conservation, physicochemical variation, residue mobility, and thermodynamic stability) indicates that this missense variant is not expected to disrupt KCNQ3 protein function with a negative predictive value of 80%. In summary, the available evidence is currently insufficient to determine the role of this variant in disease. Therefore, it has been classified as a Variant of Uncertain Significance.

Illumina Laboratory Services, Illumina
Classification: Uncertain significance for Seizures, benign familial neonatal, 2. Last evaluated: 2018-01-13. Review status: criteria provided, single submitter. Criteria: ICSL Variant Classification Criteria 13 December 2019. Collection method: clinical testing. Allele origin: germline.